The following is an entry in ClinVar:

NM_005859.5(PURA):c.486C>G (p.Asn162Lys)

Gene: PURA (purine rich element binding protein A; plus strand). Cytogenetic location: 5q31.3.
Variant type: single nucleotide variant.
Coding change: c.486C>G on transcript NM_005859.5 (MANE Select); coding-DNA position 486, C replaced by G.
Protein change: p.Asn162Lys; replaces asparagine 162 with lysine.
Molecular consequence: missense variant.
Genome position (GRCh38, 1-based): chr5:140,114,667, C>G. VCF-style: chr5-140114667-C-G. GRCh37 (hg19) VCF-style: chr5-139494252-C-G.
Other names: short protein forms N162K.
Identifiers: ClinVar variation 426839 (VCV000426839.3), dbSNP rs1085307826, ClinGen allele CA361490882.
Genomic context (GRCh38, chr5:140,114,667, plus strand): 5'-GCTCAAAAGCGAGTTCCTGGTGCGCGAGAACCGCAAGTACTACATGGATCTCAAGGAGAA[C>G]CAGCGCGGCCGCTTCCTGCGCATCCGCCAGACGGTCAACCGGGGGCCTGGCCTGGGCTCC-3'
Protein context (NP_005850.1, residues 152-172): NRKYYMDLKE[Asn162Lys]QRGRFLRIRQ

ClinVar aggregate classification (germline): Conflicting classifications of pathogenicity. Review status: criteria provided, conflicting classifications (1 of 4 stars). 2 submissions from 2 submitters: Likely pathogenic (1); Uncertain significance (1). Last evaluated 2022-05-04.

Submissions (2):

Mendelics
Classification: Uncertain significance. Last evaluated: 2022-05-04. Review status: criteria provided, single submitter. Criteria: Mendelics Assertion Criteria 2019. Collection method: clinical testing. Allele origin: germline.

GeneDx
Classification: Likely pathogenic. Last evaluated: 2017-03-31. Review status: criteria provided, single submitter. Criteria: GeneDx Variant Classification (06012015). Collection method: clinical testing. Allele origin: germline. Affected: yes.
Comment: The N162K variant in the PURA gene has not been reported previously as a pathogenic variant, nor as a benign variant, to our knowledge. The N162K variant is not observed in large population cohorts (Lek et al., 2016; 1000 Genomes Consortium et al., 2015; Exome Variant Server). The N162K variant is a semi-conservative amino acid substitution, which may impact secondary protein structure as these residues differ in some properties. This substitution occurs at a position that is conserved across species, and in silico analysis predicts this variant is probably damaging to the protein structure/function. We interpret N162K as a likely pathogenic variant.